The following is an entry in ClinVar:

NM_001032283.3(TMPO):c.1120C>A (p.Pro374Thr)

Gene: TMPO (thymopoietin; plus strand). Cytogenetic location: 12q23.1.
Variant type: single nucleotide variant.
Coding change: c.1120C>A on transcript NM_001032283.3 (MANE Select); coding-DNA position 1120, C replaced by A.
Protein change: p.Pro374Thr; replaces proline 374 with threonine.
Molecular consequence: missense variant.
Genome position (GRCh38, 1-based): chr12:98,547,613, C>A. VCF-style: chr12-98547613-C-A. GRCh37 (hg19) VCF-style: chr12-98941391-C-A.
Other names: c.793C>A, p.Pro265Thr (NM_001032284.3); c.1000C>A, p.Pro334Thr (NM_001307975.2); short protein forms P374T, P334T, P265T.
Identifiers: ClinVar variation 191797 (VCV000191797.1), dbSNP rs778140094, ClinGen allele CA237577.

ClinVar aggregate classification (germline): Uncertain significance (1 of 4 stars; one submission).

Allele frequency attached by ClinVar (database versions not stated): gnomAD exomes below 0.00001; ExAC 0.00001; gnomAD 0.00001.
gnomAD v4.1: 3 of 1,614,056 alleles (0.00019%); highest among the groups gnomAD compares: African/African-American, 0.0027%; no homozygotes.

Submission:

Biesecker Lab/Clinical Genomics Section, National Institutes of Health
Classification: Uncertain significance. Last evaluated: 2013-06-24. Review status: criteria provided, single submitter. Criteria: Ng et al. (Circ Cardiovasc Genet. 2013). Collection method: research. Allele origin: unknown. Observed: 1 variant allele. Study: ClinSeq.
Comment: The study set was not selected for affection status in relation to any cancer. Pathogenicity categories were based on literature curation. See Pubmed ID:23861362 for details.

Medical sequencing